The following is an entry in ClinVar:

ClinVar aggregate classification (germline): Uncertain significance (1 of 4 stars; one submission).

Conditions:
Hereditary breast ovarian cancer syndrome. Also called: Hereditary breast and ovarian cancer syndrome (HBOC); Hereditary breast and ovarian cancer; Breast and ovarian cancer; Hereditary breast and/or ovarian cancer syndrome; BRCA1- and BRCA2-Associated Hereditary Breast and Ovarian Cancer; Hereditary breast and ovarian cancer syndrome. Identifiers: Orphanet 145, MedGen C0677776, MeSH D061325, MONDO:0003582. Disease mechanism: loss of function.

Submission:

Labcorp Genetics (formerly Invitae), Labcorp
Classification: Uncertain significance for Hereditary breast ovarian cancer syndrome. Last evaluated: 2025-08-11. Review status: criteria provided, single submitter. Criteria: Invitae Variant Classification Sherloc (09022015). Collection method: clinical testing. Allele origin: germline.
Comment: This sequence change replaces alanine, which is neutral and non-polar, with threonine, which is neutral and polar, at codon 1797 of the BRCA2 protein (p.Ala1797Thr). This variant is not present in population databases (gnomAD no frequency). This variant has not been reported in the literature in individuals affected with BRCA2-related conditions. Invitae Evidence Modeling of protein sequence and biophysical properties (such as structural, functional, and spatial information, amino acid conservation, physicochemical variation, residue mobility, and thermodynamic stability) indicates that this missense variant is not expected to disrupt BRCA2 protein function with a negative predictive value of 95%. In summary, the available evidence is currently insufficient to determine the role of this variant in disease. Therefore, it has been classified as a Variant of Uncertain Significance.

NM_000059.4(BRCA2):c.5389G>A (p.Ala1797Thr)

Gene: BRCA2 (BRCA2 DNA repair associated; plus strand). Cytogenetic location: 13q13.1.
Variant type: single nucleotide variant.
Coding change: c.5389G>A on transcript NM_000059.4 (MANE Select); coding-DNA position 5389, G replaced by A.
Protein change: p.Ala1797Thr; replaces alanine 1797 with threonine.
Molecular consequence: missense variant. On other transcripts: non-coding transcript variant (1), intron variant (2).
Genome position (GRCh38, 1-based): chr13:32,339,744, G>A. VCF-style: chr13-32339744-G-A. GRCh37 (hg19) VCF-style: chr13-32913881-G-A.
Other names: c.5389G>A, p.Ala1797Thr (NM_001406719.1, NM_001406720.1, NM_001432077.1); c.1910-4814G>A (NM_001406721.1); c.425-4814G>A (NM_001406722.1); short protein forms A1797T.
Identifiers: ClinVar variation 4802311 (VCV004802311.1).